The following is an entry in ClinVar:

ClinVar aggregate classification (germline): Uncertain significance. Review status: criteria provided, multiple submitters, no conflicts (2 of 4 stars). 2 submissions from 2 submitters: Uncertain significance (2). Last evaluated 2025-08-04.

Conditions:
Spastic paraplegia. Identifiers: MedGen C0037772, HP:0001258.
Inborn genetic diseases. Identifiers: MedGen C0950123, MeSH D030342.

Allele frequency attached by ClinVar (database versions not stated): gnomAD exomes 0.00001; gnomAD 0.00003; TOPMed 0.00010.

Submissions (2):

Ambry Genetics
Classification: Uncertain significance for Inborn genetic diseases. Last evaluated: 2025-08-04. Review status: criteria provided, single submitter. Criteria: Ambry Variant Classification Scheme 2023. Collection method: clinical testing. Allele origin: germline.

Labcorp Genetics (formerly Invitae), Labcorp
Classification: Uncertain significance for Spastic paraplegia. Last evaluated: 2025-06-20. Review status: criteria provided, single submitter. Criteria: Invitae Variant Classification Sherloc (09022015). Collection method: clinical testing. Allele origin: germline.
Comment: This sequence change replaces leucine, which is neutral and non-polar, with phenylalanine, which is neutral and non-polar, at codon 2524 of the ZFYVE26 protein (p.Leu2524Phe). This variant is present in population databases (no rsID available, gnomAD 0.01%). This variant has not been reported in the literature in individuals affected with ZFYVE26-related conditions. ClinVar contains an entry for this variant (Variation ID: 2414699). An algorithm developed to predict the effect of missense changes on protein structure and function (PolyPhen-2) suggests that this variant is likely to be disruptive. In summary, the available evidence is currently insufficient to determine the role of this variant in disease. Therefore, it has been classified as a Variant of Uncertain Significance.

NM_015346.4(ZFYVE26):c.7570C>T (p.Leu2524Phe)

Gene: ZFYVE26 (zinc finger FYVE-type containing 26; minus strand). Cytogenetic location: 14q24.1.
Variant type: single nucleotide variant.
Coding change: c.7570C>T on transcript NM_015346.4 (MANE Select); coding-DNA position 7570, C replaced by T.
Protein change: p.Leu2524Phe; replaces leucine 2524 with phenylalanine.
Molecular consequence: missense variant.
Genome position (GRCh38, 1-based): chr14:67,748,486, G>A on the plus strand (C>T on the coding strand, the complement: ZFYVE26 is on the minus strand). VCF-style: chr14-67748486-G-A. GRCh37 (hg19) VCF-style: chr14-68215203-G-A.
Other names: c.7570C>T (NM_015346.3); short protein forms L2524F.
Identifiers: ClinVar variation 2414699 (VCV002414699.5), dbSNP rs1343358589, ClinGen allele CA390157127.